The following is an entry in ClinVar:

NM_000368.5(TSC1):c.363+3_363+18del

Gene: TSC1 (TSC complex subunit 1; minus strand). Cytogenetic location: 9q34.13.
Variant type: Deletion.
Coding change: c.363+3_363+18del on transcript NM_000368.5 (MANE Select); bases 3 to 18 of the intron after coding-DNA position 363, 16 bases deleted (AGGATGTTTGTAAGGA).
Molecular consequence: intron variant.
Genome position (GRCh38, 1-based): chr9:132,925,569-132,925,584, TCCTTACAAACATCCT deleted on the plus strand (AGGATGTTTGTAAGGA on the coding strand, the reverse complement: TSC1 is on the minus strand). VCF-style (leftmost placement, unchanged base first): chr9-132925568-ATCCTTACAAACATCCT-A. GRCh37 (hg19) VCF-style: chr9-135800955-ATCCTTACAAACATCCT-A.
Other names: c.363+3_363+18delAGGATGTTTGTAAGGA (NM_000368.4); c.363+3_363+18del16 (NM_000368.4); c.-1+3_-1+18del (NM_001362177.2); c.210+1617_210+1632del (NM_001162427.2); c.363+3_363+18del (NM_001162426.2).
Identifiers: ClinVar variation 451865 (VCV000451865.15), dbSNP rs1554820251, ClinGen allele CA658657930.
Genomic context (GRCh38, chr9:132,925,568, plus strand): 5'-TTCCTTGCTTTAAGTTGCCTAAAATTTCAGAAACTATACTCATAAAACCATTTCATTCAA[ATCCTTACAAACATCCT>A]ACCTTGAGACATTTTAGTAAAGAAGGCAAAAGAGGTGCTTGAGAGAGCTTATGCTTCCAA-3'

ClinVar aggregate classification (germline): Uncertain significance. Review status: criteria provided, multiple submitters, no conflicts (2 of 4 stars). 4 submissions from 4 submitters: Uncertain significance (4). Last evaluated 2022-04-15.

Conditions:
Lymphangiomyomatosis (LAM). Also called: Lymphangioleiomyomatosis; Lymphangioleiomyomatosis, somatic. Identifiers: Orphanet 538, MedGen C0751674, MONDO:0011705, OMIM 606690.
Tuberous sclerosis 1 (TSC1). Identifiers: Orphanet 805, MedGen C1854465, MONDO:0008612, OMIM 191100.
Isolated focal cortical dysplasia type II (FCORD2). Also called: Focal cortical dysplasia type II; CORTICAL DYSPLASIA OF TAYLOR. Identifiers: Orphanet 268994, MedGen C1846385, MONDO:0011818, OMIM 607341, HP:0032051.

Submissions (4):

Fulgent Genetics
Classification: Uncertain significance for Tuberous sclerosis 1; Lymphangiomyomatosis; Isolated focal cortical dysplasia type II. Last evaluated: 2022-04-15. Review status: criteria provided, single submitter. Criteria: ACMG Guidelines, 2015. Collection method: clinical testing. Allele origin: unknown.

Genome-Nilou Lab
Classification: Uncertain significance for Tuberous sclerosis 1. Last evaluated: 2021-11-07. Review status: criteria provided, single submitter. Criteria: ACMG Guidelines, 2015. Collection method: clinical testing. Allele origin: germline. Affected: no.

Labcorp Genetics (formerly Invitae), Labcorp
Classification: Uncertain significance for Tuberous sclerosis 1. Last evaluated: 2019-03-21. Review status: criteria provided, single submitter. Criteria: Invitae Variant Classification Sherloc (09022015). Collection method: clinical testing. Allele origin: germline.
Comment: Nucleotide substitutions within the consensus splice site are a relatively common cause of aberrant splicing (PMID: 17576681, 9536098). Algorithms developed to predict the effect of sequence changes on RNA splicing suggest that this variant may disrupt the consensus splice site, but this prediction has not been confirmed by published transcriptional studies. In summary, the available evidence is currently insufficient to determine the role of this variant in disease. Therefore, it has been classified as a Variant of Uncertain Significance. This sequence change falls in intron 5 of the TSC1 gene. It does not directly change the encoded amino acid sequence of the TSC1 protein, but it affects a nucleotide within the consensus splice site of the intron. This variant is not present in population databases (ExAC no frequency). ClinVar contains an entry for this variant (Variation ID: 451865).

GeneDx
Classification: Uncertain significance. Last evaluated: 2017-09-06. Review status: criteria provided, single submitter. Criteria: GeneDx Variant Classification (06012015). Collection method: clinical testing. Allele origin: germline. Affected: yes.
Comment: A variant of uncertain significance has been identified in the TSC1 gene. The c.363+3_363+18del16variant has not been published as a pathogenic variant, nor has it been reported as a benign variant to our knowledge. The c.363+3_363+18del16 variant is not observed in large population cohorts (Lek et al., 2016; 1000 Genomes Consortium et al., 2015; Exome Variant Server). Several in-silico splice prediction models predict that c.363+3_363+18del16 destroys the natural splice donor site of intron 5 and leads to abnormal gene splicing. However, in the absence of RNA/functional studies, the actual effect of this sequence change in this individual is unknown. Therefore, based on the currently available information, it is unclear whether this variant is a pathogenic variant or a rare benign variant.

Literature cited by the submitters: PubMed 17576681 (cited by Labcorp Genetics (formerly Invitae), Labcorp); PubMed 9536098 (cited by Labcorp Genetics (formerly Invitae), Labcorp).